The following is an entry in ClinVar:

ClinVar aggregate classification (germline): Uncertain significance (1 of 4 stars; one submission).

gnomAD v4.1: 20 of 1,613,982 alleles (0.0012%); highest among the groups gnomAD compares: Admixed American, 0.0017%; no homozygotes.

Submission:

Labcorp Genetics (formerly Invitae), Labcorp
Classification: Uncertain significance. Last evaluated: 2022-10-19. Review status: criteria provided, single submitter. Criteria: Invitae Variant Classification Sherloc (09022015). Collection method: clinical testing. Allele origin: germline.
Comment: In summary, the available evidence is currently insufficient to determine the role of this variant in disease. Therefore, it has been classified as a Variant of Uncertain Significance. Algorithms developed to predict the effect of missense changes on protein structure and function are either unavailable or do not agree on the potential impact of this missense change (SIFT: "Deleterious"; PolyPhen-2: "Benign"; Align-GVGD: "Class C0"). This variant has not been reported in the literature in individuals affected with CCT2-related conditions. This variant is present in population databases (rs767119403, gnomAD 0.0009%). This sequence change replaces glutamic acid, which is acidic and polar, with glutamine, which is neutral and polar, at codon 432 of the CCT2 protein (p.Glu432Gln).

NM_006431.3(CCT2):c.1294G>C (p.Glu432Gln)

Gene: CCT2 (chaperonin containing TCP1 subunit 2; plus strand). Cytogenetic location: 12q15.
Variant type: single nucleotide variant.
Coding change: c.1294G>C on transcript NM_006431.3 (MANE Select); coding-DNA position 1294, G replaced by C.
Protein change: p.Glu432Gln; replaces glutamic acid 432 with glutamine.
Molecular consequence: missense variant.
Genome position (GRCh38, 1-based): chr12:69,598,030, G>C. VCF-style: chr12-69598030-G-C. GRCh37 (hg19) VCF-style: chr12-69991810-G-C.
Other names: c.1153G>C, p.Glu385Gln (NM_001198842.2); short protein forms E432Q, E385Q.
Identifiers: ClinVar variation 1951081 (VCV001951081.5), dbSNP rs767119403, ClinGen allele CA239120504.